The following is an entry in ClinVar:

NM_030632.3(ASXL3):c.3763G>A (p.Val1255Met)

Gene: ASXL3 (ASXL transcriptional regulator 3; plus strand). Cytogenetic location: 18q12.1.
Variant type: single nucleotide variant.
Coding change: c.3763G>A on transcript NM_030632.3 (MANE Select); coding-DNA position 3763, G replaced by A.
Protein change: p.Val1255Met; replaces valine 1255 with methionine.
Molecular consequence: missense variant.
Genome position (GRCh38, 1-based): chr18:33,743,611, G>A. VCF-style: chr18-33743611-G-A. GRCh37 (hg19) VCF-style: chr18-31323575-G-A.
Other names: short protein forms V1255M.
Identifiers: ClinVar variation 1344997 (VCV001344997.2), dbSNP rs762727035, ClinGen allele CA8934120.

ClinVar aggregate classification (germline): Uncertain significance (1 of 4 stars; one submission).

Allele frequency attached by ClinVar (database versions not stated): ExAC 0.00001.

Submission:

GeneDx
Classification: Uncertain significance. Last evaluated: 2021-09-21. Review status: criteria provided, single submitter. Criteria: GeneDx Variant Classification Process June 2021. Collection method: clinical testing. Allele origin: germline. Affected: yes.
Comment: In silico analysis supports that this missense variant does not alter protein structure/function; Has not been previously published as pathogenic or benign to our knowledge